The following is an entry in ClinVar:

ClinVar aggregate classification (germline): Uncertain significance (1 of 4 stars; one submission).

Conditions:
Inborn genetic diseases. Identifiers: MedGen C0950123, MeSH D030342.

gnomAD v4.1: 1 of 1,612,404 alleles (0.000062%); highest among the groups gnomAD compares: South Asian, 0.0011%; no homozygotes.

Submission:

Ambry Genetics
Classification: Uncertain significance for Inborn genetic diseases. Last evaluated: 2022-10-04. Review status: criteria provided, single submitter. Criteria: Ambry Variant Classification Scheme 2023. Collection method: clinical testing. Allele origin: germline.
Comment: The p.S677C variant (also known as c.2030C>G), located in coding exon 12 of the EPAS1 gene, results from a C to G substitution at nucleotide position 2030. The serine at codon 677 is replaced by cysteine, an amino acid with dissimilar properties. This amino acid position is conserved. In addition, this alteration is predicted to be tolerated by in silico analysis. Since supporting evidence is limited at this time, the clinical significance of this alteration remains unclear.

NM_001430.5(EPAS1):c.2030C>G (p.Ser677Cys)

Gene: EPAS1 (endothelial PAS domain protein 1; plus strand). Cytogenetic location: 2p21.
Variant type: single nucleotide variant.
Coding change: c.2030C>G on transcript NM_001430.5 (MANE Select); coding-DNA position 2030, C replaced by G.
Protein change: p.Ser677Cys; replaces serine 677 with cysteine.
Molecular consequence: missense variant.
Genome position (GRCh38, 1-based): chr2:46,380,702, C>G. VCF-style: chr2-46380702-C-G. GRCh37 (hg19) VCF-style: chr2-46607841-C-G.
Other names: short protein forms S677C.
Identifiers: ClinVar variation 1784755 (VCV001784755.2), dbSNP rs1684869542, ClinGen allele CA346705376.